The following is an entry in ClinVar:

ClinVar aggregate classification (germline): Uncertain significance (1 of 4 stars; one submission).

Conditions:
Holoprosencephaly 2 (HPE2). Identifiers: Orphanet 2162, MedGen C1834877, MONDO:0007999, OMIM 157170.

Allele frequency attached by ClinVar (database versions not stated): gnomAD exomes below 0.00001; ExAC 0.00001.
gnomAD v4.1: 3 of 1,597,066 alleles (0.00019%); highest among the groups gnomAD compares: Non-Finnish European, 0.00025%; no homozygotes.

Submission:

Labcorp Genetics (formerly Invitae), Labcorp
Classification: Uncertain significance for Holoprosencephaly 2. Last evaluated: 2023-08-30. Review status: criteria provided, single submitter. Criteria: Invitae Variant Classification Sherloc (09022015). Collection method: clinical testing. Allele origin: germline.
Comment: In summary, the available evidence is currently insufficient to determine the role of this variant in disease. Therefore, it has been classified as a Variant of Uncertain Significance. An algorithm developed to predict the effect of missense changes on protein structure and function (PolyPhen-2) suggests that this variant is likely to be tolerated. ClinVar contains an entry for this variant (Variation ID: 1445077). This variant has not been reported in the literature in individuals affected with SIX3-related conditions. This variant is present in population databases (rs773982749, gnomAD 0.0009%). This sequence change replaces isoleucine, which is neutral and non-polar, with valine, which is neutral and non-polar, at codon 27 of the SIX3 protein (p.Ile27Val).

NM_005413.4(SIX3):c.79A>G (p.Ile27Val)

Gene: SIX3 (SIX homeobox 3; plus strand). Cytogenetic location: 2p21.
Variant type: single nucleotide variant.
Coding change: c.79A>G on transcript NM_005413.4 (MANE Select); coding-DNA position 79, A replaced by G.
Protein change: p.Ile27Val; replaces isoleucine 27 with valine.
Molecular consequence: missense variant.
Genome position (GRCh38, 1-based): chr2:44,942,183, A>G. VCF-style: chr2-44942183-A-G. GRCh37 (hg19) VCF-style: chr2-45169322-A-G.
Other names: short protein forms I27V.
Identifiers: ClinVar variation 1445077 (VCV001445077.6), dbSNP rs773982749, ClinGen allele CA1642251.
Genomic context (GRCh38, chr2:44,942,183, plus strand): 5'-CTAGACCTCTATTCCTCCCACTTCTTGTTGCCAAACTTCGCCGATTCTCACCACCGCTCC[A>G]TACTTCTGGCGAGTAGCGGCGGCGGGAACGGTGCGGGAGGCGGCGGCGGCGCGGGAGGCG-3'
Protein context (NP_005404.1, residues 17-37): PNFADSHHRS[Ile27Val]LLASSGGGNG